The following is an entry in ClinVar:

NM_032620.4(GTPBP3):c.467C>T (p.Thr156Ile)

Gene: GTPBP3 (GTP binding protein 3, mitochondrial; plus strand). Cytogenetic location: 19p13.11.
Variant type: single nucleotide variant.
Coding change: c.467C>T on transcript NM_032620.4 (MANE Select); coding-DNA position 467, C replaced by T.
Protein change: p.Thr156Ile; replaces threonine 156 with isoleucine.
Molecular consequence: missense variant.
Genome position (GRCh38, 1-based): chr19:17,338,617, C>T. VCF-style: chr19-17338617-C-T. GRCh37 (hg19) VCF-style: chr19-17449426-C-T.
Other names: c.467C>T, p.Thr156Ile (NM_001128855.3, NM_133644.4); c.533C>T, p.Thr178Ile (NM_001195422.1); short protein forms T178I, T156I.
Identifiers: ClinVar variation 1370131 (VCV001370131.8), dbSNP rs1224174744, ClinGen allele CA404733059.
Genomic context (GRCh38, chr19:17,338,617, plus strand): 5'-GACCGGCGGAGGCAGGCGAGTTCACCAGACGGGCGTTCGCCAATGGGAAGCTGAACCTGA[C>T]CGAAGTGGAGGGGCTGGCGGACCTTATCCACGCGGAAACAGAGGCGCAGCGGCGGCAGGC-3'
Protein context (NP_116009.2, residues 146-166): RAFANGKLNL[Thr156Ile]EVEGLADLIH

ClinVar aggregate classification (germline): Uncertain significance (1 of 4 stars; one submission).

Allele frequency attached by ClinVar (database versions not stated): gnomAD exomes below 0.00001.
gnomAD v4.1: 1 of 1,614,072 alleles (0.000062%); highest among the groups gnomAD compares: Non-Finnish European, 0.000085%; no homozygotes.

Submission:

Labcorp Genetics (formerly Invitae), Labcorp
Classification: Uncertain significance. Last evaluated: 2021-07-26. Review status: criteria provided, single submitter. Criteria: Invitae Variant Classification Sherloc (09022015). Collection method: clinical testing. Allele origin: germline.
Comment: In summary, the available evidence is currently insufficient to determine the role of this variant in disease. Therefore, it has been classified as a Variant of Uncertain Significance. Algorithms developed to predict the effect of missense changes on protein structure and function are either unavailable or do not agree on the potential impact of this missense change (SIFT: "Deleterious"; PolyPhen-2: "Probably Damaging"; Align-GVGD: "Class C0"). This variant has not been reported in the literature in individuals affected with GTPBP3-related conditions. This variant is not present in population databases (ExAC no frequency). This sequence change replaces threonine with isoleucine at codon 156 of the GTPBP3 protein (p.Thr156Ile). The threonine residue is highly conserved and there is a moderate physicochemical difference between threonine and isoleucine.